The following is an entry in ClinVar:

ClinVar aggregate classification (germline): Uncertain significance (1 of 4 stars; one submission).

Allele frequency attached by ClinVar (database versions not stated): gnomAD exomes below 0.00001.
gnomAD v4.1: 1 of 1,613,064 alleles (0.000062%); highest among the groups gnomAD compares: Non-Finnish European, 0.000085%; no homozygotes.

Submission:

Labcorp Genetics (formerly Invitae), Labcorp
Classification: Uncertain significance. Last evaluated: 2023-07-17. Review status: criteria provided, single submitter. Criteria: Invitae Variant Classification Sherloc (09022015). Collection method: clinical testing. Allele origin: germline.
Comment: In summary, the available evidence is currently insufficient to determine the role of this variant in disease. Therefore, it has been classified as a Variant of Uncertain Significance. An algorithm developed to predict the effect of missense changes on protein structure and function (PolyPhen-2) suggests that this variant is likely to be disruptive. ClinVar contains an entry for this variant (Variation ID: 1957469). This variant has not been reported in the literature in individuals affected with ADGRV1-related conditions. This variant is not present in population databases (gnomAD no frequency). This sequence change replaces glycine, which is neutral and non-polar, with valine, which is neutral and non-polar, at codon 4143 of the ADGRV1 protein (p.Gly4143Val).

NM_032119.4(ADGRV1):c.12428G>T (p.Gly4143Val)

Gene: ADGRV1 (adhesion G protein-coupled receptor V1; plus strand). Cytogenetic location: 5q14.3.
Variant type: single nucleotide variant.
Coding change: c.12428G>T on transcript NM_032119.4 (MANE Select); coding-DNA position 12428, G replaced by T.
Protein change: p.Gly4143Val; replaces glycine 4143 with valine.
Molecular consequence: missense variant. On other transcripts: non-coding transcript variant (1).
Genome position (GRCh38, 1-based): chr5:90,776,477, G>T. VCF-style: chr5-90776477-G-T. GRCh37 (hg19) VCF-style: chr5-90072294-G-T.
Other names: short protein forms G4143V.
Identifiers: ClinVar variation 1957469 (VCV001957469.5), dbSNP rs2531842543, ClinGen allele CA360385373.